The following is an entry in ClinVar:

ClinVar aggregate classification (germline): Uncertain significance (1 of 4 stars; one submission).

Conditions:
DICER1-related tumor predisposition. Also called: DICER1-related pleuropulmonary blastoma cancer predisposition syndrome; DICER1 syndrome. Identifiers: Orphanet 284343, MedGen C3839822, MONDO:0100216.

Submission:

Labcorp Genetics (formerly Invitae), Labcorp
Classification: Uncertain significance for DICER1-related tumor predisposition. Last evaluated: 2022-10-21. Review status: criteria provided, single submitter. Criteria: Invitae Variant Classification Sherloc (09022015). Collection method: clinical testing. Allele origin: germline.
Comment: A copy number gain of the genomic region encompassing the full coding sequence of the DICER1 gene has been identified. The boundaries of this event are unknown as they extend beyond the assayed region for this gene and therefore may encompass additional genes. As the precise location of this event is unknown, it may be in tandem or it may be located elsewhere in the genome. This variant has not been reported in the literature in individuals affected with DICER1-related conditions. Experimental studies and prediction algorithms are not available or were not evaluated, and the functional significance of this variant is currently unknown. In summary, the available evidence is currently insufficient to determine the role of this variant in disease. Therefore, it has been classified as a Variant of Uncertain Significance.

NC_000014.8:g.(?_95078677)_(95599795_?)dup

Genes: DICER1 (dicer 1, ribonuclease III; minus strand), GSC (goosecoid homeobox; minus strand), SERPINA3 (serpin family A member 3; plus strand). Cytogenetic location: 14q32.13.
Variant type: Duplication.
Identifiers: ClinVar variation 2427553 (VCV002427553.3).